The following is an entry in ClinVar:

NM_007294.4(BRCA1):c.419G>C (p.Ser140Thr)

Gene: BRCA1 (BRCA1 DNA repair associated; minus strand). Cytogenetic location: 17q21.31.
Variant type: single nucleotide variant.
Coding change: c.419G>C on transcript NM_007294.4 (MANE Select); coding-DNA position 419, G replaced by C.
Protein change: p.Ser140Thr; replaces serine 140 with threonine.
Molecular consequence: missense variant. On other transcripts: non-coding transcript variant (1).
Genome position (GRCh38, 1-based): chr17:43,104,144, C>G on the plus strand (G>C on the coding strand, the complement: BRCA1 is on the minus strand). VCF-style: chr17-43104144-C-G. GRCh37 (hg19) VCF-style: chr17-41256161-C-G.
Other names: c.209G>C, p.Ser70Thr (NM_001407571.1, NM_001407887.1, NM_001407889.1 and 58 more transcripts); c.419G>C, p.Ser140Thr (NM_001407593.1, NM_001407594.1, NM_001407581.1 and 165 more transcripts); c.278G>C, p.Ser93Thr (NM_001407920.1, NM_001407921.1, NM_001407922.1 and 99 more transcripts); c.38G>C, p.Ser13Thr (NM_001407959.1, NM_001407960.1, NM_001407962.1 and 4 more transcripts); c.410G>C, p.Ser137Thr (NM_001408408.1, NM_001407646.1, NM_001407647.1); c.341G>C, p.Ser114Thr (NM_001408409.1, NM_001408411.1, NM_001408412.1 and 21 more transcripts); c.287G>C, p.Ser96Thr (NM_001408451.1); short protein forms S114T, S140T, S93T, S70T, S96T, S137T, S13T.
Identifiers: ClinVar variation 1738622 (VCV001738622.2), dbSNP rs1064793055, ClinGen allele CA10601308.

ClinVar aggregate classification (germline): Uncertain significance (1 of 4 stars; one submission).

Conditions:
Hereditary cancer-predisposing syndrome. Also called: Hereditary Cancer Syndrome; Hereditary neoplastic syndrome; Neoplastic Syndromes, Hereditary; Tumor predisposition. Identifiers: Orphanet 140162, MedGen C0027672, MeSH D009386, MONDO:0015356.

Submission:

Ambry Genetics
Classification: Uncertain significance for Hereditary cancer-predisposing syndrome. Last evaluated: 2022-03-29. Review status: criteria provided, single submitter. Criteria: Ambry Variant Classification Scheme 2023. Collection method: clinical testing. Allele origin: germline.
Comment: The p.S140T variant (also known as c.419G>C), located in coding exon 5 of the BRCA1 gene, results from a G to C substitution at nucleotide position 419. The serine at codon 140 is replaced by threonine, an amino acid with similar properties. This amino acid position is not well conserved in available vertebrate species. In addition, the in silico prediction for this alteration is inconclusive. Since supporting evidence is limited at this time, the clinical significance of this alteration remains unclear.